The following is an entry in ClinVar:

NM_002470.4(MYH3):c.5693G>A (p.Arg1898Gln)

Gene: MYH3 (myosin heavy chain 3; minus strand). Cytogenetic location: 17p13.1.
Variant type: single nucleotide variant.
Coding change: c.5693G>A on transcript NM_002470.4 (MANE Select); coding-DNA position 5693, G replaced by A.
Protein change: p.Arg1898Gln; replaces arginine 1898 with glutamine.
Molecular consequence: missense variant.
Genome position (GRCh38, 1-based): chr17:10,629,700, C>T on the plus strand (G>A on the coding strand, the complement: MYH3 is on the minus strand). VCF-style: chr17-10629700-C-T. GRCh37 (hg19) VCF-style: chr17-10533017-C-T.
Other names: short protein forms R1898Q.
Identifiers: ClinVar variation 2988686 (VCV002988686.3), dbSNP rs1188582575, ClinGen allele CA398129866.

ClinVar aggregate classification (germline): Uncertain significance (1 of 4 stars; one submission).

Allele frequency attached by ClinVar (database versions not stated): gnomAD exomes below 0.00001.
gnomAD v4.1: 5 of 1,614,210 alleles (0.00031%); highest among the groups gnomAD compares: Non-Finnish European, 0.00034%; no homozygotes.

Submission:

Labcorp Genetics (formerly Invitae), Labcorp
Classification: Uncertain significance. Last evaluated: 2026-01-06. Review status: criteria provided, single submitter. Criteria: Invitae Variant Classification Sherloc (09022015). Collection method: clinical testing. Allele origin: germline.
Comment: This sequence change replaces arginine, which is basic and polar, with glutamine, which is neutral and polar, at codon 1898 of the MYH3 protein (p.Arg1898Gln). This variant is present in population databases (no rsID available, gnomAD 0.0009%). This variant has not been reported in the literature in individuals affected with MYH3-related conditions. ClinVar contains an entry for this variant (Variation ID: 2988686). Invitae Evidence Modeling of protein sequence and biophysical properties (such as structural, functional, and spatial information, amino acid conservation, physicochemical variation, residue mobility, and thermodynamic stability) indicates that this missense variant is not expected to disrupt MYH3 protein function with a negative predictive value of 95%. In summary, the available evidence is currently insufficient to determine the role of this variant in disease. Therefore, it has been classified as a Variant of Uncertain Significance.